The following is an entry in ClinVar:

ClinVar aggregate classification (germline): Benign. Review status: criteria provided, multiple submitters, no conflicts (2 of 4 stars). 4 submissions from 4 submitters: Benign (3). 1 of the submissions does not count toward it. Last evaluated 2022-12-07.

Conditions:
ROBO4-related disorder. Also called: ROBO4-related condition.
Familial thoracic aortic aneurysm and aortic dissection (TAAD). Also called: Thoracic aortic aneurysms and dissections. Identifiers: Orphanet 91387, MedGen C4707243, MONDO:0019625.

Allele frequency attached by ClinVar (database versions not stated): gnomAD exomes 0.00081 and 0.00221; ExAC 0.00279; gnomAD 0.00851 and 0.00908; ESP Exome Variant Server 0.00900; 1000 Genomes Project 0.00919; TOPMed 0.00930; 1000 Genomes Project 30x 0.00968.

Submissions (4):

CHEO Genetics Diagnostic Laboratory, Children's Hospital of Eastern Ontario
Classification: Benign for Familial thoracic aortic aneurysm and aortic dissection. Last evaluated: 2022-12-07. Review status: criteria provided, single submitter. Criteria: ACMG Guidelines, 2015. Collection method: clinical testing. Allele origin: germline.

Labcorp Genetics (formerly Invitae), Labcorp
Classification: Benign. Last evaluated: 2018-04-26. Review status: criteria provided, single submitter. Criteria: Invitae Variant Classification Sherloc (09022015). Collection method: clinical testing. Allele origin: germline.

Breakthrough Genomics
Classification: Benign. Review status: criteria provided, single submitter. Criteria: ACMG Guidelines, 2015. Collection method: not provided. Allele origin: germline. Inheritance: Autosomal dominant inheritance. Affected: yes.

PreventionGenetics, part of Exact Sciences
Classification: Benign for ROBO4-related condition. Last evaluated: 2019-07-13. Review status: no assertion criteria provided. Collection method: clinical testing. Allele origin: germline. Not counted in ClinVar's aggregate classification.
Comment: This variant is classified as benign based on ACMG/AMP sequence variant interpretation guidelines (Richards et al. 2015 PMID: 25741868, with internal and published modifications).

NM_019055.6(ROBO4):c.957C>T (p.Tyr319=)

Gene: ROBO4 (roundabout guidance receptor 4; minus strand). Cytogenetic location: 11q24.2.
Variant type: single nucleotide variant.
Coding change: c.957C>T on transcript NM_019055.6 (MANE Select); coding-DNA position 957, C replaced by T.
Protein change: p.Tyr319=; no amino-acid change (tyrosine 319 retained).
Molecular consequence: synonymous variant.
Genome position (GRCh38, 1-based): chr11:124,895,536, G>A on the plus strand (C>T on the coding strand, the complement: ROBO4 is on the minus strand). VCF-style: chr11-124895536-G-A. GRCh37 (hg19) VCF-style: chr11-124765432-G-A.
Other names: c.522C>T, p.Tyr174= (NM_001301088.2).
Identifiers: ClinVar variation 791183 (VCV000791183.7), dbSNP rs75488833, ClinGen allele CA6345117.